The following is an entry in ClinVar:

NM_006096.4(NDRG1):c.12G>T (p.Glu4Asp)

Gene: NDRG1 (N-myc downstream regulated 1; minus strand). Cytogenetic location: 8q24.22.
Variant type: single nucleotide variant.
Coding change: c.12G>T on transcript NM_006096.4 (MANE Select); coding-DNA position 12, G replaced by T.
Protein change: p.Glu4Asp; replaces glutamic acid 4 with aspartic acid.
Molecular consequence: missense variant. On other transcripts: 5 prime UTR variant (1), intron variant (2).
Genome position (GRCh38, 1-based): chr8:133,284,300, C>A on the plus strand (G>T on the coding strand, the complement: NDRG1 is on the minus strand). VCF-style: chr8-133284300-C-A. GRCh37 (hg19) VCF-style: chr8-134296543-C-A.
Other names: c.12G>T, p.Glu4Asp (NM_001135242.2, NM_001374844.1, NM_001374845.1 and 1 more transcripts); c.-126G>T (NM_001258433.2); c.-100+12834G>T (NM_001258432.2); c.-135-4033G>T (NM_001374847.1); short protein forms E4D.
Identifiers: ClinVar variation 917152 (VCV000917152.6), dbSNP rs1286565668, ClinGen allele CA372248951.
Genomic context (GRCh38, chr8:133,284,300, plus strand): 5'-TCCACTCACCTCCCCTTTCTCCACCAAAGGCTTCACCTCAGCGAGGTCTACATCCTGCAT[C>A]TCCCGAGACATGTCCCTGCTGTCACCTGCCTGCAAGGAGACAAAGGCCAAAAGGTCAACA-3'
Protein context (NP_006087.2, residues 1-14): MSR[Glu4Asp]MQDVDLAEVK

ClinVar aggregate classification (germline): Uncertain significance. Review status: criteria provided, multiple submitters, no conflicts (2 of 4 stars). 2 submissions from 2 submitters: Uncertain significance (2). Last evaluated 2022-07-26.

Conditions:
Charcot-Marie-Tooth disease. Also called: Charcot-Marie-Tooth Hereditary Neuropathy; Charcot-Marie-Tooth Neuropathy. Identifiers: Orphanet 166, MedGen C0007959, MONDO:0015626.
Charcot-Marie-Tooth disease type 4. Also called: Charcot-Marie-Tooth, Type 4; Charcot-Marie-Tooth disease, type IV. Identifiers: Orphanet 64749, MedGen C4082197, MONDO:0018995.

Allele frequency attached by ClinVar (database versions not stated): gnomAD exomes below 0.00001 and 0.00002.
gnomAD v4.1: 25 of 1,614,196 alleles (0.0015%); highest among the groups gnomAD compares: Non-Finnish European, 0.002%; no homozygotes.

Submissions (2):

Labcorp Genetics (formerly Invitae), Labcorp
Classification: Uncertain significance for Charcot-Marie-Tooth disease type 4. Last evaluated: 2022-07-26. Review status: criteria provided, single submitter. Criteria: Invitae Variant Classification Sherloc (09022015). Collection method: clinical testing. Allele origin: germline.
Comment: This sequence change replaces glutamic acid, which is acidic and polar, with aspartic acid, which is acidic and polar, at codon 4 of the NDRG1 protein (p.Glu4Asp). This variant is present in population databases (no rsID available, gnomAD no frequency). This variant has not been reported in the literature in individuals affected with NDRG1-related conditions. ClinVar contains an entry for this variant (Variation ID: 917152). Algorithms developed to predict the effect of missense changes on protein structure and function output the following: SIFT: "Tolerated"; PolyPhen-2: "Benign"; Align-GVGD: "Class C0". The aspartic acid amino acid residue is found in multiple mammalian species, which suggests that this missense change does not adversely affect protein function. In summary, the available evidence is currently insufficient to determine the role of this variant in disease. Therefore, it has been classified as a Variant of Uncertain Significance.

Molecular Genetics Laboratory, London Health Sciences Centre
Classification: Uncertain significance for Charcot-Marie-Tooth disease. Review status: criteria provided, single submitter. Criteria: ACMG Guidelines, 2015. Collection method: clinical testing. Allele origin: germline. Affected: yes.